The following continues an entry in ClinVar:

NM_001348323.3(TRIP12):c.5695-4G>T

Gene: TRIP12. ClinVar aggregate classification (germline): Benign. Benign (3).

Submissions 32 to 42 of 42:

Dr. Peter K. Rogan Lab, Western University
No classification provided (evidence only). Condition: Sarcoma. Review status: no classification provided. Collection method: in vitro. Allele origin: not applicable. Functional consequence: retained intron. Not counted in ClinVar's aggregate classification.

Dr. Peter K. Rogan Lab, Western University
No classification provided (evidence only). Condition: Sarcoma. Review status: no classification provided. Collection method: in vitro. Allele origin: not applicable. Functional consequence: retained intron. Not counted in ClinVar's aggregate classification.

Dr. Peter K. Rogan Lab, Western University
No classification provided (evidence only). Condition: Sarcoma. Review status: no classification provided. Collection method: in vitro. Allele origin: not applicable. Functional consequence: retained intron. Not counted in ClinVar's aggregate classification.

Dr. Peter K. Rogan Lab, Western University
No classification provided (evidence only). Condition: Nonpapillary renal cell carcinoma. Review status: no classification provided. Collection method: in vitro. Allele origin: not applicable. Functional consequence: retained intron. Not counted in ClinVar's aggregate classification.

Dr. Peter K. Rogan Lab, Western University
No classification provided (evidence only). Condition: Ovarian serous cystadenocarcinoma. Review status: no classification provided. Collection method: in vitro. Allele origin: not applicable. Functional consequence: retained intron. Not counted in ClinVar's aggregate classification.

Dr. Peter K. Rogan Lab, Western University
No classification provided (evidence only). Condition: Gastric cancer. Review status: no classification provided. Collection method: in vitro. Allele origin: not applicable. Functional consequence: retained intron. Not counted in ClinVar's aggregate classification.

Dr. Peter K. Rogan Lab, Western University
No classification provided (evidence only). Condition: Gastric cancer. Review status: no classification provided. Collection method: in vitro. Allele origin: not applicable. Functional consequence: skipped exon, retained intron. Not counted in ClinVar's aggregate classification.

Dr. Peter K. Rogan Lab, Western University
No classification provided (evidence only). Condition: Gastric cancer. Review status: no classification provided. Collection method: in vitro. Allele origin: not applicable. Functional consequence: retained intron. Not counted in ClinVar's aggregate classification.

Dr. Peter K. Rogan Lab, Western University
No classification provided (evidence only). Condition: Uterine carcinosarcoma. Review status: no classification provided. Collection method: in vitro. Allele origin: not applicable. Functional consequence: retained intron. Not counted in ClinVar's aggregate classification.

Dr. Peter K. Rogan Lab, Western University
No classification provided (evidence only). Condition: Malignant tumor of esophagus. Review status: no classification provided. Collection method: in vitro. Allele origin: not applicable. Functional consequence: retained intron. Not counted in ClinVar's aggregate classification.

Dr. Peter K. Rogan Lab, Western University
No classification provided (evidence only). Condition: Malignant tumor of esophagus. Review status: no classification provided. Collection method: in vitro. Allele origin: not applicable. Functional consequence: retained intron. Not counted in ClinVar's aggregate classification.